The following is an entry in ClinVar:

NM_000135.4(FANCA):c.1315C>G (p.Leu439Val)

Gene: FANCA (FA complementation group A; minus strand). Cytogenetic location: 16q24.3.
Variant type: single nucleotide variant.
Coding change: c.1315C>G on transcript NM_000135.4 (MANE Select); coding-DNA position 1315, C replaced by G.
Protein change: p.Leu439Val; replaces leucine 439 with valine.
Molecular consequence: missense variant.
Genome position (GRCh38, 1-based): chr16:89,791,447, G>C on the plus strand (C>G on the coding strand, the complement: FANCA is on the minus strand). VCF-style: chr16-89791447-G-C. GRCh37 (hg19) VCF-style: chr16-89857855-G-C.
Other names: c.1315C>G, p.Leu439Val (NM_001286167.3); short protein forms L439V.
Identifiers: ClinVar variation 4022197 (VCV004022197.1).
Genomic context (GRCh38, chr16:89,791,447, plus strand): 5'-TTGGCAGGTCACTTACCTTGAACCAGTCTGCATATGACAGGAACGCAGAGGGGCCCTCCA[G>C]TGCTGCCTGGCGCACAACCAGGAACGCAGTGACCATGCTGTCCAGCTGGCAGCTCTCGAA-3'
Protein context (NP_000126.2, residues 429-449): TAFLVVRQAA[Leu439Val]EGPSAFLSYA

ClinVar aggregate classification (germline): Uncertain significance (1 of 4 stars; one submission).

Conditions:
Inborn genetic diseases. Identifiers: MedGen C0950123, MeSH D030342.

gnomAD v4.1: 3 of 1,614,154 alleles (0.00019%); highest among the groups gnomAD compares: Admixed American, 0.0017%; no homozygotes.

Submission:

Ambry Genetics
Classification: Uncertain significance for Inborn genetic diseases. Last evaluated: 2025-04-18. Review status: criteria provided, single submitter. Criteria: Ambry Variant Classification Scheme 2023. Collection method: clinical testing. Allele origin: germline.
Comment: The p.L439V variant (also known as c.1315C>G), located in coding exon 14 of the FANCA gene, results from a C to G substitution at nucleotide position 1315. The leucine at codon 439 is replaced by valine, an amino acid with highly similar properties. This amino acid position is conserved. In addition, the in silico prediction for this alteration is inconclusive. Based on the available evidence, the clinical significance of this variant remains unclear.